The following is an entry in ClinVar:

NC_000014.8:g.(?_75078134)_(75078647_?)del

Gene: LTBP2 (latent transforming growth factor beta binding protein 2; minus strand). Cytogenetic location: 14q24.3.
Variant type: Deletion.
Identifiers: ClinVar variation 2423070 (VCV002423070.4).

ClinVar aggregate classification (germline): Pathogenic (1 of 4 stars; one submission).

Submission:

Labcorp Genetics (formerly Invitae), Labcorp
Classification: Pathogenic. Last evaluated: 2023-11-27. Review status: criteria provided, single submitter. Criteria: Invitae Variant Classification Sherloc (09022015). Collection method: clinical testing. Allele origin: germline.
Comment: This variant is a gross deletion of the genomic region encompassing exon(s) 1 of the LTBP2 gene, which includes the initiator codon. This deletion extends beyond the assayed region for this gene and therefore may encompass additional genes. It is expected to result in an absent or disrupted protein product. Loss-of-function variants in LTBP2 are known to be pathogenic (PMID: 19361779, 19656777, 22025892). This variant has not been reported in the literature in individuals affected with LTBP2-related conditions. For these reasons, this variant has been classified as Pathogenic.

Literature cited by the submitters: PubMed 19361779; PubMed 19656777; PubMed 22025892.